The following is an entry in ClinVar:

ClinVar aggregate classification (germline): Uncertain significance (1 of 4 stars; one submission).

Conditions:
Severe combined immunodeficiency due to DCLRE1C deficiency (RS-SCID). Also called: SCID, AUTOSOMAL RECESSIVE, T CELL-NEGATIVE, B CELL-NEGATIVE, NK CELL-POSITIVE, WITH SENSITIVITY TO IONIZING RADIATION. Identifiers: Orphanet 275, MedGen C1865371, MONDO:0011225, OMIM 602450.

Allele frequency attached by ClinVar (database versions not stated): gnomAD 0.00003; TOPMed 0.00003; ExAC 0.00004; gnomAD exomes 0.00002.
gnomAD v4.1: 33 of 1,588,118 alleles (0.0021%); highest among the groups gnomAD compares: South Asian, 0.017%; no homozygotes.

Submission:

Labcorp Genetics (formerly Invitae), Labcorp
Classification: Uncertain significance for Athabaskan severe combined immunodeficiency. Last evaluated: 2021-08-30. Review status: criteria provided, single submitter. Criteria: Invitae Variant Classification Sherloc (09022015). Collection method: clinical testing. Allele origin: germline.
Comment: This sequence change falls in intron 3 of the DCLRE1C gene. It does not directly change the encoded amino acid sequence of the DCLRE1C protein. It affects a nucleotide within the consensus splice site of the intron. The frequency data for this variant in the population databases is considered unreliable, as metrics indicate poor data quality at this position in the ExAC database. This variant has been observed in individual(s) with clinical features of severe combined immunodeficiency (PMID: 23701501). Variants that disrupt the consensus splice site are a relatively common cause of aberrant splicing (PMID: 17576681, 9536098). Algorithms developed to predict the effect of sequence changes on RNA splicing suggest that this variant is not likely to affect RNA splicing. In summary, the available evidence is currently insufficient to determine the role of this variant in disease. Therefore, it has been classified as a Variant of Uncertain Significance.

Literature cited by the submitters: PubMed 23701501; PubMed 17576681; PubMed 9536098.

NM_001033855.3(DCLRE1C):c.247-3T>C

Gene: DCLRE1C (DNA cross-link repair 1C; minus strand). Cytogenetic location: 10p13.
Variant type: single nucleotide variant.
Coding change: c.247-3T>C on transcript NM_001033855.3 (MANE Select); 3 bases into the intron before coding-DNA position 247, T replaced by C.
Molecular consequence: intron variant.
Genome position (GRCh38, 1-based): chr10:14,939,872, A>G on the plus strand (T>C on the coding strand, the complement: DCLRE1C is on the minus strand). VCF-style: chr10-14939872-A-G. GRCh37 (hg19) VCF-style: chr10-14981871-A-G.
Other names: c.-43-3T>C (NM_001350966.2, NM_001289078.2, NM_001289076.2 and 1 more transcripts); c.247-3T>C (NM_001350965.2); c.-114-3T>C (NM_001350967.2, NM_001289077.2, NM_001289079.2 and 2 more transcripts).
Identifiers: ClinVar variation 2060596 (VCV002060596.1), dbSNP rs770768045, ClinGen allele CA5416944.